The following is an entry in ClinVar:

ClinVar aggregate classification (germline): Uncertain significance (1 of 4 stars; one submission).

Submission:

GeneDx
Classification: Uncertain significance. Last evaluated: 2024-02-01. Review status: criteria provided, single submitter. Criteria: GeneDx Variant Classification Process June 2021. Collection method: clinical testing. Allele origin: germline. Affected: yes.
Comment: Not observed at significant frequency in large population cohorts (gnomAD); Frameshift variant predicted to result in abnormal protein length as the last 653 amino acids are replaced with 16 different amino acids, in a gene for which loss of function is not an established mechanism of disease; Has not been previously published as pathogenic or benign to our knowledge; This variant is associated with the following publications: (PMID: 28545555)

NM_017654.4(SAMD9):c.2809_2819del (p.Gln937fs)

Gene: SAMD9 (sterile alpha motif domain containing 9; minus strand). Cytogenetic location: 7q21.2.
Variant type: Deletion.
Coding change: c.2809_2819del on transcript NM_017654.4 (MANE Select); coding-DNA positions 2809 to 2819, 11 bases deleted (CAGTGTGAAAA).
Protein change: p.Gln937fs; shifts the reading frame from glutamine 937.
Molecular consequence: frameshift variant.
Genome position (GRCh38, 1-based): chr7:93,103,279-93,103,289, TTTTCACACTG deleted on the plus strand (CAGTGTGAAAA on the coding strand, the reverse complement: SAMD9 is on the minus strand); deleting any 11 consecutive bases within chr7:93,103,279-93,103,290 gives the same sequence; the c. name uses the placement nearest the transcript's 3' end. VCF-style (leftmost placement, unchanged base first): chr7-93103278-TTTTTCACACTG-T. GRCh37 (hg19) VCF-style: chr7-92732591-TTTTTCACACTG-T.
Other names: c.2809_2819del, p.Gln937fs (NM_001193307.2); short protein forms Q937fs.
Identifiers: ClinVar variation 3368486 (VCV003368486.1).